The following is an entry in ClinVar:

NM_000059.4(BRCA2):c.8201del (p.Pro2734fs)

Gene: BRCA2 (BRCA2 DNA repair associated; plus strand). Cytogenetic location: 13q13.1.
Variant type: Deletion.
Coding change: c.8201del on transcript NM_000059.4 (MANE Select); coding-DNA position 8201, one base deleted (C; older notation c.8201delC).
Protein change: p.Pro2734fs; shifts the reading frame from proline 2734.
Genome position (GRCh38, 1-based): chr13:32,363,403, C deleted; the last of 2 consecutive C bases (chr13:32,363,402-32,363,403); deleting either gives the same sequence. VCF-style (leftmost placement, unchanged base first): chr13-32363401-TC-T. GRCh37 (hg19) VCF-style: chr13-32937538-TC-T.
Other names: 8429delC; short protein forms P2734fs.
Identifiers: ClinVar variation 267060 (VCV000267060.8), dbSNP rs886040750, ClinGen allele CA10589473.

ClinVar aggregate classification (germline): Pathogenic. Review status: reviewed by expert panel (3 of 4 stars). 3 submissions from 3 submitters: Pathogenic (1). 2 of the submissions do not count toward it. Last evaluated 2016-10-18.

Conditions:
Breast-ovarian cancer, familial, susceptibility to, 2 (BROVCA2). Also called: BRCA2 Hereditary Breast and Ovarian Cancer. Identifiers: Orphanet 145, MedGen C2675520, MONDO:0012933, OMIM 612555. Disease mechanism: loss of function.

Submissions (3):

Evidence-based Network for the Interpretation of Germline Mutant Alleles (ENIGMA)
Classification: Pathogenic for Breast-ovarian cancer, familial, susceptibility to, 2. Last evaluated: 2016-10-18. Review status: reviewed by expert panel. Criteria: ENIGMA BRCA1/2 Classification Criteria (2015). Collection method: curation. Allele origin: germline.
Comment: Variant allele predicted to encode a truncated non-functional protein.

Mendelics
Classification: Pathogenic for Breast-ovarian cancer, familial, susceptibility to, 2. Last evaluated: 2019-05-28. Review status: criteria provided, single submitter. Criteria: Mendelics Assertion Criteria 2017. Collection method: clinical testing. Allele origin: unknown. Not counted in ClinVar's aggregate classification.

Consortium of Investigators of Modifiers of BRCA1/2 (CIMBA), c/o University of Cambridge
Classification: Pathogenic for Breast-ovarian cancer, familial, susceptibility to, 2. Last evaluated: 2015-10-02. Review status: criteria provided, single submitter. Criteria: CIMBA Mutation Classification guidelines May 2016. Collection method: clinical testing. Allele origin: germline. Not counted in ClinVar's aggregate classification.